The following is an entry in ClinVar:

NM_001110556.2(FLNA):c.4318G>C (p.Val1440Leu)

Gene: FLNA (filamin A; minus strand). Cytogenetic location: Xq28.
Variant type: single nucleotide variant.
Coding change: c.4318G>C on transcript NM_001110556.2 (MANE Select); coding-DNA position 4318, G replaced by C.
Protein change: p.Val1440Leu; replaces valine 1440 with leucine.
Molecular consequence: missense variant.
Genome position (GRCh38, 1-based): chrX:154,359,140, C>G on the plus strand (G>C on the coding strand, the complement: FLNA is on the minus strand). VCF-style: chrX-154359140-C-G. GRCh37 (hg19) VCF-style: chrX-153587508-C-G.
Other names: c.4318G>C, p.Val1440Leu (NM_001456.4); short protein forms V1440L.
Identifiers: ClinVar variation 3749103 (VCV003749103.2).

ClinVar aggregate classification (germline): Uncertain significance (1 of 4 stars; one submission).

Conditions:
Melnick-Needles syndrome (MNS). Also called: MELNICK-NEEDLES OSTEODYSPLASTY; OSTEODYSPLASTY OF MELNICK AND NEEDLES; Melnick-Needles Syndrome (FLNA-MNS). Identifiers: Orphanet 2484, MedGen C0025237, MONDO:0010650, OMIM 309350.
Frontometaphyseal dysplasia (FMD1). Identifiers: Orphanet 1826, MedGen C0265293, MONDO:0015942.
Heterotopia, periventricular, X-linked dominant (PVNH1). Also called: PERIVENTRICULAR NODULAR HETEROTOPIA 1; X-linked periventricular heterotopia; PERIVENTRICULAR NODULAR HETEROTOPIA 4; HETEROTOPIA, PERIVENTRICULAR, 1. Identifiers: Orphanet 2149, Orphanet 82004, MedGen C1848213, MONDO:0010233, OMIM 300049.
Oto-palato-digital syndrome, type II (OPD2). Also called: FACIOPALATOOSSEOUS SYNDROME; OPD II SYNDROME; Otopalatodigital Syndrome, Type II; Otopalatodigital Syndrome Type 2 (FLNA-OPD2). Identifiers: Orphanet 669, Orphanet 90652, MedGen C1844696, MONDO:0010571, OMIM 304120.

gnomAD v4.1: 1 of 1,210,034 alleles (0.000083%); highest among the groups gnomAD compares: Admixed American, 0.0022%; no homozygotes.

Submission:

Labcorp Genetics (formerly Invitae), Labcorp
Classification: Uncertain significance for Oto-palato-digital syndrome, type II; Heterotopia, periventricular, X-linked dominant; Frontometaphyseal dysplasia; Melnick-Needles syndrome. Last evaluated: 2024-03-29. Review status: criteria provided, single submitter. Criteria: Invitae Variant Classification Sherloc (09022015). Collection method: clinical testing. Allele origin: germline.
Comment: This sequence change replaces valine, which is neutral and non-polar, with leucine, which is neutral and non-polar, at codon 1440 of the FLNA protein (p.Val1440Leu). This variant is not present in population databases (gnomAD no frequency). This variant has not been reported in the literature in individuals affected with FLNA-related conditions. Advanced modeling of protein sequence and biophysical properties (such as structural, functional, and spatial information, amino acid conservation, physicochemical variation, residue mobility, and thermodynamic stability) performed at Invitae indicates that this missense variant is not expected to disrupt FLNA protein function with a negative predictive value of 95%. In summary, the available evidence is currently insufficient to determine the role of this variant in disease. Therefore, it has been classified as a Variant of Uncertain Significance.